The following is an entry in ClinVar:

NC_000009.11:g.(?_33436037)_(37436779_?)del

Genes: ANKRD18B (ankyrin repeat domain 18B; plus strand), AQP3 (aquaporin 3 (Gill blood group); minus strand), ARHGEF39 (Rho guanine nucleotide exchange factor 39; minus strand), ARID3C (AT-rich interaction domain 3C; minus strand), ATOSB (atos homolog B; minus strand) and 63 more. Cytogenetic location: 9p13.3-13.2.
Variant type: Deletion.
Identifiers: ClinVar variation 3245076 (VCV003245076.1).

ClinVar aggregate classification (germline): Pathogenic (1 of 4 stars; one submission).

Conditions:
Spastic paraplegia. Identifiers: MedGen C0037772, HP:0001258.

Submission:

Labcorp Genetics (formerly Invitae), Labcorp
Classification: Pathogenic for Spastic paraplegia. Last evaluated: 2023-06-06. Review status: criteria provided, single submitter. Criteria: Invitae Variant Classification Sherloc (09022015). Collection method: clinical testing. Allele origin: unknown.
Comment: For these reasons, this variant has been classified as Pathogenic. This variant has not been reported in the literature in individuals affected with GBA2-related conditions. A gross deletion of the genomic region encompassing the full coding sequence of the GBA2 gene has been identified. Loss-of-function variants in GBA2 are known to be pathogenic (PMID: 23332916, 23332917). The boundaries of this event are unknown as they extend beyond the assayed region for this gene and therefore may encompass additional genes.

Literature cited by the submitters: PubMed 23332916; PubMed 23332917.